The following is an entry in ClinVar:

NM_017934.7(PHIP):c.4826A>C (p.Gln1609Pro)

Genes: IRAK1BP1 (interleukin 1 receptor associated kinase 1 binding protein 1; plus strand), PHIP (PHIP subunit of CUL4-Ring ligase complex; minus strand). Cytogenetic location: 6q14.1.
Variant type: single nucleotide variant.
Coding change: c.4826A>C on transcript NM_017934.7 (MANE Select); coding-DNA position 4826, A replaced by C.
Protein change: p.Gln1609Pro; replaces glutamine 1609 with proline.
Molecular consequence: missense variant.
Genome position (GRCh38, 1-based): chr6:78,945,302, T>G on the plus strand (A>C on the coding strand, the complement: PHIP is on the minus strand). VCF-style: chr6-78945302-T-G. GRCh37 (hg19) VCF-style: chr6-79655019-T-G.
Other names: c.4826A>C (NM_017934.6); short protein forms Q1609P.
Identifiers: ClinVar variation 3626546 (VCV003626546.3).

ClinVar aggregate classification (germline): Uncertain significance. Review status: criteria provided, multiple submitters, no conflicts (2 of 4 stars). 2 submissions from 2 submitters: Uncertain significance (2). Last evaluated 2024-11-15.

Conditions:
PHIP-related disorder. Also called: PHIP-related condition; PHIP-related disorders.

gnomAD v4.1: 8 of 1,600,698 alleles (0.0005%); highest among the groups gnomAD compares: East Asian, 0.018%; no homozygotes.

Submissions (2):

PreventionGenetics, part of Exact Sciences
Classification: Uncertain significance for PHIP-related condition. Last evaluated: 2024-11-15. Review status: criteria provided, single submitter. Criteria: ACMG Guidelines, 2015. Collection method: clinical testing. Allele origin: germline.
Comment: The PHIP c.4826A>C variant is predicted to result in the amino acid substitution p.Gln1609Pro. To our knowledge, this variant has not been reported in the literature. This variant is reported in 0.038% of alleles in individuals of East Asian descent in gnomAD. At this time, the clinical significance of this variant is uncertain due to the absence of conclusive functional and genetic evidence.

Labcorp Genetics (formerly Invitae), Labcorp
Classification: Uncertain significance. Last evaluated: 2024-02-27. Review status: criteria provided, single submitter. Criteria: Invitae Variant Classification Sherloc (09022015). Collection method: clinical testing. Allele origin: germline.
Comment: This sequence change replaces glutamine, which is neutral and polar, with proline, which is neutral and non-polar, at codon 1609 of the PHIP protein (p.Gln1609Pro). This variant is present in population databases (rs769344926, gnomAD 0.04%). This variant has not been reported in the literature in individuals affected with PHIP-related conditions. Experimental studies and prediction algorithms are not available or were not evaluated, and the functional significance of this variant is currently unknown. In summary, the available evidence is currently insufficient to determine the role of this variant in disease. Therefore, it has been classified as a Variant of Uncertain Significance.